The following is an entry in ClinVar:

ClinVar aggregate classification (germline): Pathogenic/Likely pathogenic. Review status: criteria provided, multiple submitters, no conflicts (2 of 4 stars). 2 submissions from 2 submitters: Pathogenic (1); Likely pathogenic (1). Last evaluated 2022-09-29.

Conditions:
Neurodevelopmental disorder with or without hyperkinetic movements and seizures, autosomal dominant. Also called: Intellectual disability, autosomal dominant 8. Identifiers: MedGen C3280282, MONDO:0013655, OMIM 614254.
Intellectual disability. Also called: intellectual disabilities; Intellectual developmental disorder; Intellectual functioning disability. Identifiers: MedGen C3714756, MeSH D008607, MONDO:0001071, HP:0001249.

Submissions (3):

Labcorp Genetics (formerly Invitae), Labcorp
Classification: Pathogenic for Neurodevelopmental disorder with or without hyperkinetic movements and seizures, autosomal dominant. Last evaluated: 2022-09-29. Review status: criteria provided, single submitter. Criteria: Invitae Variant Classification Sherloc (09022015). Collection method: clinical testing. Allele origin: germline.
Comment: This missense change has been observed in individual(s) with clinical features of GRIN1-related conditions (PMID: 28389307). In at least one individual the variant was observed to be de novo. For these reasons, this variant has been classified as Pathogenic. Experimental studies have shown that this missense change affects GRIN1 function (PMID: 33122756). Advanced modeling of protein sequence and biophysical properties (such as structural, functional, and spatial information, amino acid conservation, physicochemical variation, residue mobility, and thermodynamic stability) has been performed at Invitae for this missense variant, however the output from this modeling did not meet the statistical confidence thresholds required to predict the impact of this variant on GRIN1 protein function. ClinVar contains an entry for this variant (Variation ID: 981272). This variant is not present in population databases (gnomAD no frequency). This sequence change replaces serine, which is neutral and polar, with tyrosine, which is neutral and polar, at codon 688 of the GRIN1 protein (p.Ser688Tyr).

Diagnostic Laboratory, Strasbourg University Hospital
Classification: Likely pathogenic for Intellectual disability. Last evaluated: 2020-09-10. Review status: criteria provided, single submitter. Criteria: ACMG Guidelines, 2015. Collection method: clinical testing. Allele origin: de novo. Affected: yes. Observed: 1 heterozygote.

Institute of experimental medicine CAS – Neurochemistry department., Institute of Experimental Medicine, Czech Academy of Science
No classification provided (evidence only). Review status: no classification provided. Collection method: in vitro. Allele origin: not applicable. Functional consequence: Effect on ion channel function. Not counted in ClinVar's aggregate classification.
Comment: "not provided" was previously submitted as the classification for the variant. It was converted to no classification on 2025-07-30.

Literature cited by the submitters: PubMed 28389307 (cited by Labcorp Genetics (formerly Invitae), Labcorp); PubMed 33122756 (cited by Labcorp Genetics (formerly Invitae), Labcorp).

NM_007327.4(GRIN1):c.2063C>A (p.Ser688Tyr)

Gene: GRIN1 (glutamate ionotropic receptor NMDA type subunit 1; plus strand). Cytogenetic location: 9q34.3.
Variant type: single nucleotide variant.
Coding change: c.2063C>A on transcript NM_007327.4 (MANE Select); coding-DNA position 2063, C replaced by A.
Protein change: p.Ser688Tyr; replaces serine 688 with tyrosine.
Molecular consequence: missense variant.
Genome position (GRCh38, 1-based): chr9:137,162,895, C>A. VCF-style: chr9-137162895-C-A. GRCh37 (hg19) VCF-style: chr9-140057347-C-A.
Other names: c.2063C>A, p.Ser688Tyr (NM_000832.7, NM_021569.4); c.2126C>A, p.Ser709Tyr (NM_001185090.2, NM_001185091.2); short protein forms S688Y, S709Y.
Identifiers: ClinVar variation 981272 (VCV000981272.9), dbSNP rs1833635820, ClinGen allele CA375722035.